The following is an entry in ClinVar:

ClinVar aggregate classification (germline): Uncertain significance. Review status: criteria provided, multiple submitters, no conflicts (2 of 4 stars). 8 submissions from 8 submitters: Uncertain significance (7). 1 of the submissions does not count toward it. Last evaluated 2026-06-26.

Conditions:
BBS9-related disorder. Also called: BBS9-related condition.
Bardet-Biedl syndrome (BBS). Identifiers: Orphanet 110, MedGen C0752166, MONDO:0015229.
Bardet-Biedl syndrome 9 (BBS9). Identifiers: Orphanet 110, MedGen C1859567, MONDO:0014437, OMIM 615986.

Allele frequency attached by ClinVar (database versions not stated): gnomAD 0.00012 and 0.00013; gnomAD exomes 0.00012 and 0.00019; ExAC 0.00016; TOPMed 0.00017; ESP Exome Variant Server 0.00046.
gnomAD v4.1: 289 of 1,614,250 alleles (0.018%); highest among the groups gnomAD compares: Non-Finnish European, 0.023%; 2 homozygotes.

Submissions (8):

PreventionGenetics, part of Exact Sciences
Classification: Uncertain significance for BBS9-related condition. Last evaluated: 2026-06-26. Review status: criteria provided, single submitter. Criteria: ACMG Guidelines, 2015. Collection method: clinical testing. Allele origin: germline.
Comment: The BBS9 c.2309A>G variant is predicted to result in the amino acid substitution p.Glu770Gly. This variant has been reported in the heterozygous state in an obese individual and a second variant in BBS9 was not identified (Table S1, Roberts et al. 2022. PubMed ID: 35562395). This variant is reported in 0.018% of alleles in individuals of European (Non-Finnish) descent in gnomAD v2 (as displayed in the table above). However, in gnomAD v4 (available only on GRCh38), this variant is reported in 0.023% of alleles in individuals of European (Non-Finnish) descent, including 2 homozygotes. Although we suspect that this variant may be benign, the clinical significance of this variant is classified as uncertain at this time due to insufficient functional and genetic evidence.

Blueprint Genetics
Classification: Uncertain significance. Last evaluated: 2024-08-26. Review status: criteria provided, single submitter. Criteria: ACMG Guidelines, 2015. Collection method: clinical testing. Allele origin: germline.

Fulgent Genetics
Classification: Uncertain significance for Bardet-Biedl syndrome 9. Last evaluated: 2024-04-02. Review status: criteria provided, single submitter. Criteria: ACMG Guidelines, 2015. Collection method: clinical testing. Allele origin: germline.

Labcorp Genetics (formerly Invitae), Labcorp
Classification: Uncertain significance for Bardet-Biedl syndrome. Last evaluated: 2022-08-16. Review status: criteria provided, single submitter. Criteria: Invitae Variant Classification Sherloc (09022015). Collection method: clinical testing. Allele origin: germline.
Comment: This sequence change replaces glutamic acid, which is acidic and polar, with glycine, which is neutral and non-polar, at codon 770 of the BBS9 protein (p.Glu770Gly). This variant is present in population databases (rs149668719, gnomAD 0.02%). This variant has not been reported in the literature in individuals affected with BBS9-related conditions. ClinVar contains an entry for this variant (Variation ID: 216844). Algorithms developed to predict the effect of missense changes on protein structure and function are either unavailable or do not agree on the potential impact of this missense change (SIFT: "Deleterious"; PolyPhen-2: "Probably Damaging"; Align-GVGD: "Class C0"). In summary, the available evidence is currently insufficient to determine the role of this variant in disease. Therefore, it has been classified as a Variant of Uncertain Significance.

Revvity Omics, Revvity
Classification: Uncertain significance for Bardet-Biedl syndrome 9. Last evaluated: 2020-03-20. Review status: criteria provided, single submitter. Criteria: ACMG Guidelines, 2015. Collection method: clinical testing. Allele origin: germline.

GeneDx
Classification: Uncertain significance. Last evaluated: 2019-05-02. Review status: criteria provided, single submitter. Criteria: GeneDx Variant Classification Process June 2021. Collection method: clinical testing. Allele origin: germline. Affected: yes.
Comment: Has not been previously published as pathogenic or benign to our knowledge; In silico analysis, which includes protein predictors and evolutionary conservation, supports a deleterious effect

Illumina Laboratory Services, Illumina
Classification: Uncertain significance for Bardet-Biedl syndrome 9. Last evaluated: 2018-01-13. Review status: criteria provided, single submitter. Criteria: ICSL Variant Classification Criteria 13 December 2019. Collection method: clinical testing. Allele origin: germline.

Genetic Services Laboratory, University of Chicago
Classification: Uncertain significance. Last evaluated: 2022-07-14. Review status: no assertion criteria provided. Collection method: clinical testing. Allele origin: germline. Affected: no. Not counted in ClinVar's aggregate classification.
Comment: DNA sequence analysis of the BBS9 gene demonstrated a sequence change, c.2309A>G, in exon 21 that results in an amino acid change, p.Glu770Gly. This sequence change does not appear to have been previously described in individuals with BBS9-related disorders and has been described in the gnomAD database with a frequency of 0.011% in the overall population (dbSNP rs149668719). The p.Glu770Gly change affects a highly conserved amino acid residue. In-silico pathogenicity prediction tools (SIFT, PolyPhen2, Align GVGD, REVEL) provide contradictory results for the p.Glu770Gly substitution. Due to insufficient evidences and the lack of functional studies, the clinical significance of the p.Glu770Gly change remains unknown at this time.

NM_198428.3(BBS9):c.2309A>G (p.Glu770Gly)

Gene: BBS9 (Bardet-Biedl syndrome 9; plus strand). Cytogenetic location: 7p14.3.
Variant type: single nucleotide variant.
Coding change: c.2309A>G on transcript NM_198428.3 (MANE Select); coding-DNA position 2309, A replaced by G.
Protein change: p.Glu770Gly; replaces glutamic acid 770 with glycine.
Molecular consequence: missense variant. On other transcripts: non-coding transcript variant (3).
Genome position (GRCh38, 1-based): chr7:33,533,964, A>G. VCF-style: chr7-33533964-A-G. GRCh37 (hg19) VCF-style: chr7-33573576-A-G.
Other names: c.2204A>G, p.Glu735Gly (NM_001033604.2); c.2294A>G, p.Glu765Gly (NM_001033605.2); c.2309A>G, p.Glu770Gly (NM_001348036.1, NM_001348041.4, NM_001348043.3 and 1 more transcripts); c.1760A>G, p.Glu587Gly (NM_001348037.3); c.2036A>G, p.Glu679Gly (NM_001348038.3); c.1931A>G, p.Glu644Gly (NM_001348039.3); c.2189A>G, p.Glu730Gly (NM_001348040.3, NM_014451.4); c.2174A>G, p.Glu725Gly (NM_001348042.3); and 2 more; short protein forms E770G, E613G, E679G, E765G, E648G, E735G, E644G, E725G.
Identifiers: ClinVar variation 216844 (VCV000216844.20), dbSNP rs149668719, ClinGen allele CA336220.